The following is an entry in ClinVar:

ClinVar aggregate classification (germline): Likely pathogenic (1 of 4 stars; one submission).

Conditions:
Fabry disease. Also called: ALPHA-GALACTOSIDASE A DEFICIENCY; ANDERSON-FABRY DISEASE; CERAMIDE TRIHEXOSIDASE DEFICIENCY; GLA DEFICIENCY; HEREDITARY DYSTOPIC LIPIDOSIS; Angiokeratoma corporis diffusum. Identifiers: Orphanet 324, MedGen C0002986, MONDO:0010526, OMIM 301500, HP:0001071. Disease mechanism: Fabry disease is due to inactivating mutations in the X-linked GLA gene resulting in deficiency of the enzyme Alpha Galactosidase-A., loss of function.

Submission:

Genomenon, Inc
Classification: Likely pathogenic for Fabry disease. Last evaluated: 2026-09-08. Review status: criteria provided, single submitter. Criteria: Genomenon Sequence Variant Interpretation Standards - Updated. Collection method: curation. Allele origin: germline. Affected: yes.
Comment: GLA p.Leu32Gln (c.95T>A) is a missense variant that changes the amino acid at codon 32 from Leucine to Glutamine. This variant has been observed in at least one proband with clinical features consistent with Fabry disease (PMID:38002959). The variant was found to segregate with disease in at least one affected family (PMID:38002959). The presence of pathogenic/likely pathogenic missense variant(s) at the same amino acid position indicates that this residue is likely important for protein function. It is absent or not present at a significant frequency in gnomAD. In silico models predict that this variant is possibly or probably damaging. In conclusion, we classify GLA p.Leu32Gln (c.95T>A) as a likely pathogenic variant.

Literature cited by the submitters: PubMed 38002959.

NM_000169.3(GLA):c.95T>A (p.Leu32Gln)

Genes: GLA (galactosidase alpha; minus strand), RPL36A-HNRNPH2 (RPL36A-HNRNPH2 readthrough; plus strand). Cytogenetic location: Xq22.1.
Variant type: single nucleotide variant.
Coding change: c.95T>A on transcript NM_000169.3 (MANE Select); coding-DNA position 95, T replaced by A.
Protein change: p.Leu32Gln; replaces leucine 32 with glutamine.
Molecular consequence: missense variant. On other transcripts: non-coding transcript variant (3), intron variant (2).
Genome position (GRCh38, 1-based): chrX:101,407,809, A>T on the plus strand (T>A on the coding strand, the complement: GLA is on the minus strand). VCF-style: chrX-101407809-A-T. GRCh37 (hg19) VCF-style: chrX-100662797-A-T.
Other names: c.95T>A, p.Leu32Gln (NM_001406747.1, NM_001406748.1, NM_001406749.1); c.301-4127A>T (NM_001199973.2); c.178-4127A>T (NM_001199974.2); short protein forms L32Q.
Identifiers: ClinVar variation 4087424 (VCV004087424.2).
Genomic context (GRCh38, chrX:101,407,809, plus strand): 5'-CACATGAAGCGCTCCCAGTGCAGCCAGCCCATGGTAGGCGTCCTTGCCAATCCATTGTCC[A>T]GTGCTCTAGCCCCAGGGATGTCCCAGGAAACGAGGGCCAGGAAGCGAAGCGCAAGCGCGC-3'
Protein context (NP_000160.1, residues 22-42): VSWDIPGARA[Leu32Gln]DNGLARTPTM